The following is an entry in ClinVar:

ClinVar aggregate classification (germline): Uncertain significance. Review status: criteria provided, multiple submitters, no conflicts (2 of 4 stars). 3 submissions from 3 submitters: Uncertain significance (3). Last evaluated 2025-08-14.

Conditions:
Familial thoracic aortic aneurysm and aortic dissection (TAAD). Also called: Thoracic aortic aneurysms and dissections. Identifiers: Orphanet 91387, MedGen C4707243, MONDO:0019625.
Hereditary cancer-predisposing syndrome. Also called: Hereditary Cancer Syndrome; Neoplastic Syndromes, Hereditary; Tumor predisposition; Hereditary neoplastic syndrome. Identifiers: Orphanet 140162, MedGen C0027672, MeSH D009386, MONDO:0015356.
Juvenile polyposis syndrome (JPS). Identifiers: Orphanet 2929, MedGen C0345893, MONDO:0017380, OMIM 174900.

Allele frequency attached by ClinVar (database versions not stated): gnomAD exomes below 0.00001.
gnomAD v4.1: 3 of 1,612,982 alleles (0.00019%); highest among the groups gnomAD compares: East Asian, 0.0022%; no homozygotes.

Submissions (3):

Ambry Genetics
Classification: Uncertain significance for Hereditary cancer-predisposing syndrome; Familial thoracic aortic aneurysm and aortic dissection. Last evaluated: 2025-08-14. Review status: criteria provided, single submitter. Criteria: Ambry Variant Classification Scheme 2023. Collection method: clinical testing. Allele origin: germline.
Comment: The p.F310L variant (also known as c.930C>G), located in coding exon 7 of the SMAD4 gene, results from a C to G substitution at nucleotide position 930. The phenylalanine at codon 310 is replaced by leucine, an amino acid with highly similar properties. This amino acid position is highly conserved in available vertebrate species. In addition, this alteration is predicted to be deleterious by in silico analysis. Since supporting evidence is limited at this time, the clinical significance of this alteration remains unclear.

Labcorp Genetics (formerly Invitae), Labcorp
Classification: Uncertain significance for Juvenile polyposis syndrome. Last evaluated: 2025-08-04. Review status: criteria provided, single submitter. Criteria: Invitae Variant Classification Sherloc (09022015). Collection method: clinical testing. Allele origin: germline.
Comment: This sequence change replaces phenylalanine, which is neutral and non-polar, with leucine, which is neutral and non-polar, at codon 310 of the SMAD4 protein (p.Phe310Leu). This variant is not present in population databases (gnomAD no frequency). This variant has not been reported in the literature in individuals affected with SMAD4-related conditions. ClinVar contains an entry for this variant (Variation ID: 229898). Invitae Evidence Modeling of protein sequence and biophysical properties (such as structural, functional, and spatial information, amino acid conservation, physicochemical variation, residue mobility, and thermodynamic stability) has been performed for this missense variant. However, the output from this modeling did not meet the statistical confidence thresholds required to predict the impact of this variant on SMAD4 protein function. In summary, the available evidence is currently insufficient to determine the role of this variant in disease. Therefore, it has been classified as a Variant of Uncertain Significance.

Color Diagnostics, LLC DBA Color Health
Classification: Uncertain significance for Hereditary cancer-predisposing syndrome. Last evaluated: 2019-07-01. Review status: criteria provided, single submitter. Criteria: ACMG Guidelines, 2015. Collection method: clinical testing. Allele origin: germline.

NM_005359.6(SMAD4):c.930C>G (p.Phe310Leu)

Gene: SMAD4 (SMAD family member 4; plus strand). Cytogenetic location: 18q21.2.
Variant type: single nucleotide variant.
Coding change: c.930C>G on transcript NM_005359.6 (MANE Select); coding-DNA position 930, C replaced by G.
Protein change: p.Phe310Leu; replaces phenylalanine 310 with leucine.
Molecular consequence: missense variant.
Genome position (GRCh38, 1-based): chr18:51,059,891, C>G. VCF-style: chr18-51059891-C-G. GRCh37 (hg19) VCF-style: chr18-48586261-C-G.
Other names: short protein forms F310L.
Identifiers: ClinVar variation 229898 (VCV000229898.16), dbSNP rs876658257, ClinGen allele CA10580983.